The following is an entry in ClinVar:

ClinVar aggregate classification (germline): Uncertain significance (1 of 4 stars; one submission).

Conditions:
Melanoma, cutaneous malignant, susceptibility to, 5. Also called: Cutaneous malignant melanoma 5. Identifiers: Orphanet 618, MedGen C2751295, MONDO:0013133, OMIM 613099.

Allele frequency attached by ClinVar (database versions not stated): ESP Exome Variant Server 0.00008; ExAC 0.00010; gnomAD exomes 0.00018.

Submission:

Labcorp Genetics (formerly Invitae), Labcorp
Classification: Uncertain significance for Melanoma, cutaneous malignant, susceptibility to, 5. Last evaluated: 2024-10-07. Review status: criteria provided, single submitter. Criteria: Invitae Variant Classification Sherloc (09022015). Collection method: clinical testing. Allele origin: germline.
Comment: This sequence change replaces alanine, which is neutral and non-polar, with threonine, which is neutral and polar, at codon 64 of the MC1R protein (p.Ala64Thr). This variant is present in population databases (rs368501338, gnomAD 0.06%), and has an allele count higher than expected for a pathogenic variant. This missense change has been observed in individual(s) with melanoma (PMID: 16982779, 19585506, 20043015, 22095472, 23647022). ClinVar contains an entry for this variant (Variation ID: 1509214). Invitae Evidence Modeling of protein sequence and biophysical properties (such as structural, functional, and spatial information, amino acid conservation, physicochemical variation, residue mobility, and thermodynamic stability) indicates that this missense variant is not expected to disrupt MC1R protein function with a negative predictive value of 80%. In summary, the available evidence is currently insufficient to determine the role of this variant in disease. Therefore, it has been classified as a Variant of Uncertain Significance.

Literature cited by the submitters: PubMed 16982779; PubMed 19585506; PubMed 20043015; PubMed 22095472; PubMed 23647022.

NM_002386.4(MC1R):c.190G>A (p.Ala64Thr)

Gene: MC1R (melanocortin 1 receptor; plus strand). Cytogenetic location: 16q24.3.
Variant type: single nucleotide variant.
Coding change: c.190G>A on transcript NM_002386.4 (MANE Select); coding-DNA position 190, G replaced by A.
Protein change: p.Ala64Thr; replaces alanine 64 with threonine.
Molecular consequence: missense variant.
Genome position (GRCh38, 1-based): chr16:89,919,448, G>A. VCF-style: chr16-89919448-G-A. GRCh37 (hg19) VCF-style: chr16-89985856-G-A.
Other names: short protein forms A64T.
Identifiers: ClinVar variation 1509214 (VCV001509214.6), dbSNP rs368501338, ClinGen allele CA8255518.